The following is an entry in ClinVar:

ClinVar aggregate classification (germline): Likely benign (1 of 4 stars; one submission).

Conditions:
Cardiac arrhythmia. Also called: Arrhythmia; Cardiac rhythm disease. Identifiers: MedGen C0003811, MONDO:0007263, HP:0011675.

Allele frequency attached by ClinVar (database versions not stated): gnomAD exomes 0.00001 and below 0.00001; ExAC 0.00002.
gnomAD v4.1: 4 of 1,599,100 alleles (0.00025%); highest among the groups gnomAD compares: South Asian, 0.0045%; no homozygotes.

Submission:

Women's Health and Genetics/Laboratory Corporation of America, LabCorp
Classification: Likely benign for Arrhythmia. Last evaluated: 2011-08-18. Review status: criteria provided, single submitter. Criteria: LabCorp Variant Classification Summary - May 2015. Collection method: curation. Allele origin: germline. Inheritance: autosomal unknown. Affected: yes.
ClinVar note: Converted during submission from likely benign to Likely benign.

NM_013975.4(LIG3):c.1440T>C (p.Pro480=)

Gene: LIG3 (DNA ligase 3; plus strand). Cytogenetic location: 17q12.
Variant type: single nucleotide variant.
Coding change: c.1440T>C on transcript NM_013975.4 (MANE Select); coding-DNA position 1440, T replaced by C.
Protein change: p.Pro480=; no amino-acid change (proline 480 retained).
Molecular consequence: synonymous variant.
Genome position (GRCh38, 1-based): chr17:34,992,677, T>C. VCF-style: chr17-34992677-T-C. GRCh37 (hg19) VCF-style: chr17-33319696-T-C.
Other names: c.1440T>C, p.Pro480= (NM_002311.5).
Identifiers: ClinVar variation 36472 (VCV000036472.5), dbSNP rs193922690, ClinGen allele CA214136.
Genomic context (GRCh38, chr17:34,992,677, plus strand): 5'-GGTGGAGAAGGAGCCGGGCCAGAGACGAGCTCTGAGCGTCCAGGCCTCGCTGATGACACC[T>C]GTGCAGCCCATGTTGGTGAGGAGTGCTCCCCTGCCTCTGCTTTCCAGCCTCTCCAAGCTC-3'
Protein context (NP_039269.2, residues 470-490): ALSVQASLMT[Pro480=]VQPMLAEACK